The following is an entry in ClinVar:

ClinVar aggregate classification (germline): Pathogenic. Review status: criteria provided, multiple submitters, no conflicts (2 of 4 stars). 3 submissions from 3 submitters: Pathogenic (3). Last evaluated 2026-01-13.

Conditions:
Hereditary cancer-predisposing syndrome. Also called: Hereditary Cancer Syndrome; Neoplastic Syndromes, Hereditary; Tumor predisposition; Hereditary neoplastic syndrome. Identifiers: Orphanet 140162, MedGen C0027672, MeSH D009386, MONDO:0015356.
Breast-ovarian cancer, familial, susceptibility to, 3. Also called: RAD51C-Related Breast/Ovarian Cancer. Identifiers: Orphanet 145, MedGen C3150659, MONDO:0013253, OMIM 613399.
Fanconi anemia complementation group O. Also called: RAD51C-Related Fanconi Anemia. Identifiers: Orphanet 84, MedGen C3150653, MONDO:0013248, OMIM 613390.

Submissions (3):

Ambry Genetics
Classification: Pathogenic for Hereditary cancer-predisposing syndrome. Last evaluated: 2026-01-13. Review status: criteria provided, single submitter. Criteria: Ambry Variant Classification Scheme 2023. Collection method: clinical testing. Allele origin: germline.
Comment: The p.Q321* variant (also known as c.961C>T), located in coding exon 7 of the RAD51C gene, results from a C to T substitution at nucleotide position 961. This changes the amino acid from a glutamine to a stop codon within coding exon 7. This variant is considered to be rare based on population cohorts in the Genome Aggregation Database (gnomAD). This alteration is expected to result in loss of function by premature protein truncation or nonsense-mediated mRNA decay. As such, this alteration is interpreted as a disease-causing mutation.

Myriad Genetics, Inc.
Classification: Pathogenic for Breast-ovarian cancer, familial, susceptibility to, 3. Last evaluated: 2024-01-03. Review status: criteria provided, single submitter. Criteria: Myriad Autosomal Dominant, Autosomal Recessive and X-Linked Classification Criteria (2023). Collection method: clinical testing. Allele origin: unknown.
Comment: This variant is considered pathogenic. This variant creates a termination codon and is predicted to result in premature protein truncation.

Labcorp Genetics (formerly Invitae), Labcorp
Classification: Pathogenic for Fanconi anemia complementation group O. Last evaluated: 2021-02-03. Review status: criteria provided, single submitter. Criteria: Invitae Variant Classification Sherloc (09022015). Collection method: clinical testing. Allele origin: germline.
Comment: For these reasons, this variant has been classified as Pathogenic. Algorithms developed to predict the effect of sequence changes on RNA splicing suggest that this variant may create or strengthen a splice site, but this prediction has not been confirmed by published transcriptional studies. This variant has not been reported in the literature in individuals with RAD51C-related conditions. This variant is not present in population databases (ExAC no frequency). This sequence change creates a premature translational stop signal (p.Gln321*) in the RAD51C gene. It is expected to result in an absent or disrupted protein product. Loss-of-function variants in RAD51C are known to be pathogenic (PMID: 20400964, 21990120, 24800917).

Literature cited by the submitters: PubMed 20400964 (cited by Labcorp Genetics (formerly Invitae), Labcorp); PubMed 21990120 (cited by Labcorp Genetics (formerly Invitae), Labcorp); PubMed 24800917 (cited by Labcorp Genetics (formerly Invitae), Labcorp).

NM_058216.3(RAD51C):c.961C>T (p.Gln321Ter)

Gene: RAD51C (RAD51 paralog C; plus strand). Cytogenetic location: 17q22.
Variant type: single nucleotide variant.
Coding change: c.961C>T on transcript NM_058216.3 (MANE Select); coding-DNA position 961, C replaced by T.
Protein change: p.Gln321Ter; replaces glutamine 321 with a stop codon.
Molecular consequence: nonsense. On other transcripts: non-coding transcript variant (1).
Genome position (GRCh38, 1-based): chr17:58,724,096, C>T. VCF-style: chr17-58724096-C-T. GRCh37 (hg19) VCF-style: chr17-56801457-C-T.
Other names: c.961C>T (NM_058216.1); short protein forms Q321*.
Identifiers: ClinVar variation 1069913 (VCV001069913.9), dbSNP rs2143963184, ClinGen allele CA400361597.